The following is an entry in ClinVar:

NM_002691.4(POLD1):c.1298A>G (p.Asp433Gly)

Gene: POLD1 (DNA polymerase delta 1, catalytic subunit; plus strand). Cytogenetic location: 19q13.33.
Variant type: single nucleotide variant.
Coding change: c.1298A>G on transcript NM_002691.4 (MANE Select); coding-DNA position 1298, A replaced by G.
Protein change: p.Asp433Gly; replaces aspartic acid 433 with glycine.
Molecular consequence: missense variant. On other transcripts: non-coding transcript variant (1).
Genome position (GRCh38, 1-based): chr19:50,406,237, A>G. VCF-style: chr19-50406237-A-G. GRCh37 (hg19) VCF-style: chr19-50909494-A-G.
Other names: c.1298A>G, p.Asp433Gly (NM_001256849.1, NM_001308632.1); short protein forms D433G.
Identifiers: ClinVar variation 4056093 (VCV004056093.2).

ClinVar aggregate classification (germline): Uncertain significance (1 of 4 stars; one submission).

Conditions:
POLD1-related polyposis and colorectal cancer syndrome (CRCS10). Also called: Colorectal cancer, susceptibility to, 10; Colorectal cancer 10; COLORECTAL CANCER, SUSCEPTIBILITY TO, ON CHROMOSOME 19q. Identifiers: Orphanet 220460, MedGen C2675481, MONDO:0012953, OMIM 612591.

Submission:

St. Jude Molecular Pathology, St. Jude Children's Research Hospital
Classification: Uncertain significance for POLD1-related polyposis and colorectal cancer syndrome. Last evaluated: 2025-06-17. Review status: criteria provided, single submitter. Criteria: St. Jude Assertion Criteria 2020. Collection method: clinical testing. Allele origin: germline.
Comment: The POLD1 c.1298A>G p.(Asp433Gly) missense change is absent in gnomAD v2.1.1. The in silico tool REVEL predicts a benign effect on protein function, but to our knowledge this prediction has not been confirmed by functional studies. To our knowledge, this variant has not been reported in individuals with POLD1-related disease. In summary, the evidence currently available is insufficient to determine the clinical significance of this variant. It has therefore been classified as of uncertain significance.